The following is an entry in ClinVar:

ClinVar aggregate classification (germline): Pathogenic. Review status: reviewed by expert panel (3 of 4 stars). 2 submissions from 2 submitters: Pathogenic (1). 1 of the submissions does not count toward it. Last evaluated 2017-12-15.

Conditions:
Breast-ovarian cancer, familial, susceptibility to, 2 (BROVCA2). Also called: BRCA2 Hereditary Breast and Ovarian Cancer. Identifiers: Orphanet 145, MedGen C2675520, MONDO:0012933, OMIM 612555. Disease mechanism: loss of function.
Familial cancer of breast. Also called: BREAST CANCER, FAMILIAL; Hereditary breast cancer; hereditary breast carcinoma. Identifiers: Orphanet 227535, MedGen C0346153, MONDO:0016419, OMIM 114480. Disease mechanism: loss of function.

Submissions (2):

Evidence-based Network for the Interpretation of Germline Mutant Alleles (ENIGMA)
Classification: Pathogenic for Breast-ovarian cancer, familial, susceptibility to, 2. Last evaluated: 2017-12-15. Review status: reviewed by expert panel. Criteria: ENIGMA BRCA1/2 Classification Criteria (2017-06-29). Collection method: curation. Allele origin: germline. Study: ENIGMA.
Comment: Variant allele predicted to encode a truncated non-functional protein.

ClinVar Staff, National Center for Biotechnology Information (NCBI)
No classification provided. Condition: Familial cancer of breast. Review status: no classification provided. Collection method: literature only. Allele origin: germline. Affected: yes. Not counted in ClinVar's aggregate classification.

Literature cited by the submitters: PubMed 17513806 (cited by ClinVar Staff, National Center for Biotechnology Information (NCBI)).

NM_000059.4(BRCA2):c.1310_1311del (p.Lys437fs)

Gene: BRCA2 (BRCA2 DNA repair associated; plus strand). Cytogenetic location: 13q13.1.
Variant type: Deletion.
Coding change: c.1310_1311del on transcript NM_000059.4 (MANE Select); coding-DNA positions 1310 to 1311, 2 bases deleted (AA; older notation c.1310_1311delAA).
Protein change: p.Lys437fs; shifts the reading frame from lysine 437.
Molecular consequence: frameshift variant.
Genome position (GRCh38, 1-based): chr13:32,332,788-32,332,789, AA deleted; deleting any 2 consecutive bases within chr13:32,332,787-32,332,789 gives the same sequence; the c. name uses the placement nearest the transcript's 3' end. VCF-style (leftmost placement, unchanged base first): chr13-32332786-GAA-G. GRCh37 (hg19) VCF-style: chr13-32906923-GAA-G.
Other names: c.1310_1311delAA (NM_000059.3); short protein forms K437fs.
Identifiers: ClinVar variation 51099 (VCV000051099.3), dbSNP rs397507578, ClinGen allele CA011553.
Genomic context (GRCh38, chr13:32,332,786, plus strand): 5'-TTCTTCATGTGACCAAAATATTTCAGAAAAAGACCTATTAGACACAGAGAACAAAAGAAA[GAA>G]AGATTTTCTTACTTCAGAGAATTCTTTGCCACGTATTTCTAGCCTACCAAAATCAGAGAA-3'